The following is an entry in ClinVar:

ClinVar aggregate classification (germline): Pathogenic. Review status: criteria provided, multiple submitters, no conflicts (2 of 4 stars). 4 submissions from 4 submitters: Pathogenic (4). Last evaluated 2023-05-05.

Conditions:
Familial adenomatous polyposis 1 (FAP1). Also called: FAMILIAL ADENOMATOUS POLYPOSIS 1, ATTENUATED; POLYPOSIS, ADENOMATOUS INTESTINAL. Identifiers: MedGen C2713442, MONDO:0021056, OMIM 175100. Disease mechanism: loss of function.
Hereditary cancer-predisposing syndrome. Also called: Tumor predisposition; Hereditary Cancer Syndrome; Hereditary neoplastic syndrome; Neoplastic Syndromes, Hereditary. Identifiers: Orphanet 140162, MedGen C0027672, MeSH D009386, MONDO:0015356.

Allele frequency attached by ClinVar (database versions not stated): TOPMed below 0.00001; gnomAD 0.00001.
gnomAD v4.1: 1 of 1,614,054 alleles (0.000062%); highest among the groups gnomAD compares: Non-Finnish European, 0.000085%; no homozygotes.

Submissions (4):

Myriad Genetics, Inc.
Classification: Pathogenic for Familial adenomatous polyposis 1. Last evaluated: 2023-05-05. Review status: criteria provided, single submitter. Criteria: Myriad Autosomal Dominant, Autosomal Recessive and X-Linked Classification Criteria (2023). Collection method: clinical testing. Allele origin: unknown.
Comment: This variant is considered pathogenic. This variant creates a termination codon and is predicted to result in premature protein truncation.

Labcorp Genetics (formerly Invitae), Labcorp
Classification: Pathogenic for Familial adenomatous polyposis 1. Last evaluated: 2023-04-26. Review status: criteria provided, single submitter. Criteria: Invitae Variant Classification Sherloc (09022015). Collection method: clinical testing. Allele origin: germline.
Comment: For these reasons, this variant has been classified as Pathogenic. A different truncation (p.Tyr2645Lysfs*14) that lies downstream of this variant has been determined to be pathogenic (PMID: 9824584, 1316610, 27081525, 8381579, 22135120, Invitae). This suggests that deletion of this region of the APC protein is causative of disease. This variant is expected to disrupt the EB1 and HDLG binding sites, which mediate interactions with the cytoskeleton (PMID: 15311282, 17293347). While functional studies have not been performed to directly test the effect on APC protein function, this suggests that disruption of the C-terminal portion of the protein is functionally important. ClinVar contains an entry for this variant (Variation ID: 411362). This premature translational stop signal has been observed in individual(s) with familial adenomatous polyposis (PMID: 1316610, 1338764, 10083733, 20685668). This variant is not present in population databases (gnomAD no frequency). This sequence change creates a premature translational stop signal (p.Ser932*) in the APC gene. While this is not anticipated to result in nonsense mediated decay, it is expected to disrupt the last 1912 amino acid(s) of the APC protein.

Ambry Genetics
Classification: Pathogenic for Hereditary cancer-predisposing syndrome. Last evaluated: 2023-03-09. Review status: criteria provided, single submitter. Criteria: Ambry Variant Classification Scheme 2023. Collection method: clinical testing. Allele origin: germline.
Comment: The p.S932* pathogenic mutation (also known as c.2795C>A), located in coding exon 15 of the APC gene, results from a C to A substitution at nucleotide position 2795. This changes the amino acid from a serine to a stop codon within coding exon 15. This alteration occurs at the 3' terminus of theAPC gene, is not expected to trigger nonsense-mediated mRNA decay, and only impacts the last 1911 amino acids of the protein. However, premature stop codons are typically deleterious in nature and the impacted region is critical for protein function and a significant portion of the protein is affected (Ambry internal data). This mutation has been previously identified in a patient with a clinical diagnosis of Familial Adenomatous Polyposis (FAP) (Miyoshi Y et al. Proc. Natl. Acad. Sci. U.S.A. 1992 May;89:4452-6; Lagarde A et al. J. Med. Genet. 2010 Oct;47:721-2). In addition to the clinical data presented in the literature, this alteration is expected to result in loss of function by premature protein truncation. As such, this alteration is interpreted as a disease-causing mutation.

Quest Diagnostics Nichols Institute San Juan Capistrano
Classification: Pathogenic. Last evaluated: 2017-06-27. Review status: criteria provided, single submitter. Criteria: Quest Diagnostics criteria. Collection method: clinical testing. Allele origin: germline.

Literature cited by the submitters: PubMed 9824584 (cited by Labcorp Genetics (formerly Invitae), Labcorp); PubMed 1316610 (cited by 3 submitters); PubMed 27081525 (cited by Labcorp Genetics (formerly Invitae), Labcorp); PubMed 8381579 (cited by Labcorp Genetics (formerly Invitae), Labcorp); PubMed 22135120 (cited by Labcorp Genetics (formerly Invitae), Labcorp); PubMed 15311282 (cited by Labcorp Genetics (formerly Invitae), Labcorp); PubMed 17293347 (cited by Labcorp Genetics (formerly Invitae), Labcorp); PubMed 1338764 (cited by Labcorp Genetics (formerly Invitae), Labcorp); PubMed 10083733 (cited by Labcorp Genetics (formerly Invitae), Labcorp); PubMed 20685668 (cited by 3 submitters); PubMed 16088911 (cited by Quest Diagnostics Nichols Institute San Juan Capistrano).

NM_000038.6(APC):c.2795C>A (p.Ser932Ter)

Gene: APC (APC regulator of Wnt signaling pathway; plus strand). Cytogenetic location: 5q22.2.
Variant type: single nucleotide variant.
Coding change: c.2795C>A on transcript NM_000038.6 (MANE Select); coding-DNA position 2795, C replaced by A.
Protein change: p.Ser932Ter; replaces serine 932 with a stop codon.
Molecular consequence: nonsense.
Genome position (GRCh38, 1-based): chr5:112,838,389, C>A. VCF-style: chr5-112838389-C-A. GRCh37 (hg19) VCF-style: chr5-112174086-C-A.
Other names: c.2795C>A, p.Ser932Ter (NM_001127510.3, NM_001354895.2); c.2741C>A, p.Ser914Ter (NM_001127511.3); c.2849C>A, p.Ser950Ter (NM_001354896.2); c.2825C>A, p.Ser942Ter (NM_001354897.2); c.2720C>A, p.Ser907Ter (NM_001354898.2); c.2711C>A, p.Ser904Ter (NM_001354899.2); c.2672C>A, p.Ser891Ter (NM_001354900.2); c.2618C>A, p.Ser873Ter (NM_001354901.2); and 5 more; short protein forms S914*, S932*, S841*, S942*, S649*, S772*, S806*, S891*.
Identifiers: ClinVar variation 411362 (VCV000411362.15), dbSNP rs878853432, ClinGen allele CA16027426.